The following is an entry in ClinVar:

NM_001166114.2(PNPLA6):c.173T>C (p.Val58Ala)

Gene: PNPLA6 (patatin like domain 6, lysophospholipase; plus strand). Cytogenetic location: 19p13.2.
Variant type: single nucleotide variant.
Coding change: c.173T>C on transcript NM_001166114.2 (MANE Select); coding-DNA position 173, T replaced by C.
Protein change: p.Val58Ala; replaces valine 58 with alanine.
Molecular consequence: missense variant.
Genome position (GRCh38, 1-based): chr19:7,535,961, T>C. VCF-style: chr19-7535961-T-C. GRCh37 (hg19) VCF-style: chr19-7600847-T-C.
Other names: c.200T>C, p.Val67Ala (NM_001166111.2); c.56T>C, p.Val19Ala (NM_001166112.2, NM_001166113.1, NM_006702.5); short protein forms V19A, V67A, V58A.
Identifiers: ClinVar variation 281419 (VCV000281419.22), dbSNP rs188353745, ClinGen allele CA9139351.
Genomic context (GRCh38, chr19:7,535,961, plus strand): 5'-GCGGTGCGCAGCCAGTGCCGTTCGTCCCTCAGGTGCTTGGCGTGATGATCGGGGCCGGAG[T>C]GGCGGTGGTGGTCACGGCCGTGCTCATCCTCCTGGTGGTGCGGAGGCTGCGAGTGCCAAG-3'
Protein context (NP_001159586.1, residues 48-68): QVLGVMIGAG[Val58Ala]AVVVTAVLIL

ClinVar aggregate classification (germline): Benign. Review status: criteria provided, multiple submitters, no conflicts (2 of 4 stars). 6 submissions from 6 submitters: Benign (6). Last evaluated 2026-02-01.

Conditions:
Hereditary spastic paraplegia. Also called: Familial spastic paraparesis. Identifiers: Orphanet 685, MedGen C0037773, MONDO:0019064. Disease mechanism: loss of function.
Hereditary spastic paraplegia 39 (SPG39). Also called: SPASTIC PARAPLEGIA 39, AUTOSOMAL RECESSIVE; Spastic Paraplegia Type 39 (SPG39). Identifiers: Orphanet 139480, MedGen C2677586, MONDO:0012787, OMIM 612020.

Allele frequency attached by ClinVar (database versions not stated): gnomAD 0.00215 and 0.00410; TOPMed 0.00335; gnomAD exomes 0.00390 and 0.01036; 1000 Genomes Project 30x 0.01968; ExAC 0.02137; 1000 Genomes Project 0.02236.
gnomAD v4.1: 6,308 of 1,583,718 alleles (0.4%); highest among the groups gnomAD compares: East Asian, 4.3%; 132 homozygotes.

Submissions (6):

Labcorp Genetics (formerly Invitae), Labcorp
Classification: Benign for Hereditary spastic paraplegia 39. Last evaluated: 2026-02-01. Review status: criteria provided, single submitter. Criteria: Invitae Variant Classification Sherloc (09022015). Collection method: clinical testing. Allele origin: germline.

Genome Diagnostics Laboratory, The Hospital for Sick Children
Classification: Benign for Hereditary spastic paraplegia. Last evaluated: 2021-12-16. Review status: criteria provided, single submitter. Criteria: ACMG Guidelines, 2015. Collection method: clinical testing. Allele origin: germline. Affected: yes.

Illumina Laboratory Services, Illumina
Classification: Benign for Hereditary spastic paraplegia 39. Last evaluated: 2018-01-13. Review status: criteria provided, single submitter. Criteria: ICSL Variant Classification Criteria 13 December 2019. Collection method: clinical testing. Allele origin: germline.
Comment: This variant was observed in the ICSL laboratory as part of a predisposition screen in an ostensibly healthy population. It had not been previously curated by ICSL or reported in the Human Gene Mutation Database (HGMD: prior to June 1st, 2018), and was therefore a candidate for classification through an automated scoring system. Utilizing variant allele frequency, disease prevalence and penetrance estimates, and inheritance mode, an automated score was calculated to assess if this variant is too frequent to cause the disease. Based on the score and internal cut-off values, a variant classified as benign is not then subjected to further curation. The score for this variant resulted in a classification of benign for this disease.

Athena Diagnostics
Classification: Benign. Last evaluated: 2016-11-04. Review status: criteria provided, single submitter. Criteria: Athena Diagnostics Criteria. Collection method: clinical testing. Allele origin: germline.

GeneDx
Classification: Benign. Last evaluated: 2016-10-26. Review status: criteria provided, single submitter. Criteria: GeneDx Variant Classification (06012015). Collection method: clinical testing. Allele origin: germline. Affected: yes.
Comment: This variant is considered likely benign or benign based on one or more of the following criteria: it is a conservative change, it occurs at a poorly conserved position in the protein, it is predicted to be benign by multiple in silico algorithms, and/or has population frequency not consistent with disease.

Eurofins Ntd Llc (ga)
Classification: Benign. Last evaluated: 2015-06-17. Review status: criteria provided, single submitter. Criteria: EGL Classification Definitions 2015. Collection method: clinical testing. Allele origin: germline. Observed: 1 variant allele, 1 heterozygote.